The following is an entry in ClinVar:

NM_024079.5(ALG8):c.1276+10G>A

Gene: ALG8 (ALG8 alpha-1,3-glucosyltransferase; minus strand). Cytogenetic location: 11q14.1.
Variant type: single nucleotide variant.
Coding change: c.1276+10G>A on transcript NM_024079.5 (MANE Select); 10 bases into the intron after coding-DNA position 1276, G replaced by A.
Molecular consequence: intron variant.
Genome position (GRCh38, 1-based): chr11:78,104,346, C>T on the plus strand (G>A on the coding strand, the complement: ALG8 is on the minus strand). VCF-style: chr11-78104346-C-T. GRCh37 (hg19) VCF-style: chr11-77815392-C-T.
Other names: c.1276+10G>A (NM_001007027.3).
Identifiers: ClinVar variation 704610 (VCV000704610.12), dbSNP rs531081999, ClinGen allele CA6203173.
Genomic context (GRCh38, chr11:78,104,346, plus strand): 5'-TATTAATCTGTGGGCCTCGATGAAAAGGTTGTGATAGTCAAATATATTTTTCTCAGAAGA[C>T]GCTGTTTACCTGGTGCAGTGAAGAGCAGAGGAAAGAGGGAATAATGTCCTGTTGTGGTCA-3'

ClinVar aggregate classification (germline): Benign/Likely benign. Review status: criteria provided, multiple submitters, no conflicts (2 of 4 stars). 3 submissions from 3 submitters: Benign (1); Likely benign (1). 1 of the submissions does not count toward it. Last evaluated 2025-10-26.

Conditions:
ALG8 congenital disorder of glycosylation. Also called: CONGENITAL DISORDER OF GLYCOSYLATION, TYPE Ih; CDG Ih; ALG8-CDG. Identifiers: Orphanet 79325, MedGen C2931002, MONDO:0011969, OMIM 608104.
Polycystic liver disease 3 with or without kidney cysts. Identifiers: MedGen C4693472, MONDO:0054743, OMIM 617874.
ALG8-related disorder.

Allele frequency attached by ClinVar (database versions not stated): gnomAD exomes 0.00014 and 0.00033; 1000 Genomes Project 0.00060; 1000 Genomes Project 30x 0.00078; gnomAD 0.00001 and 0.00009; TOPMed 0.00002; ExAC 0.00110.
gnomAD v4.1: 215 of 1,568,154 alleles (0.014%); highest among the groups gnomAD compares: South Asian, 0.22%; 1 homozygote.

Submissions (3):

Labcorp Genetics (formerly Invitae), Labcorp
Classification: Benign for ALG8 congenital disorder of glycosylation. Last evaluated: 2025-10-26. Review status: criteria provided, single submitter. Criteria: Invitae Variant Classification Sherloc (09022015). Collection method: clinical testing. Allele origin: germline.

Fulgent Genetics
Classification: Likely benign for ALG8 congenital disorder of glycosylation; Polycystic liver disease 3 with or without kidney cysts. Last evaluated: 2021-07-19. Review status: criteria provided, single submitter. Criteria: ACMG Guidelines, 2015. Collection method: clinical testing. Allele origin: unknown.

PreventionGenetics, part of Exact Sciences
Classification: Likely benign for ALG8-related condition. Last evaluated: 2019-06-05. Review status: no assertion criteria provided. Collection method: clinical testing. Allele origin: germline. Not counted in ClinVar's aggregate classification.
Comment: This variant is classified as likely benign based on ACMG/AMP sequence variant interpretation guidelines (Richards et al. 2015 PMID: 25741868, with internal and published modifications).